The following is an entry in ClinVar:

ClinVar aggregate classification (germline): Pathogenic (1 of 4 stars; one submission).

Submission:

GeneDx
Classification: Pathogenic. Last evaluated: 2019-10-31. Review status: criteria provided, single submitter. Criteria: GeneDx Variant Classification Process June 2021. Collection method: clinical testing. Allele origin: germline. Affected: yes.
Comment: Frameshift variant predicted to result in protein truncation or nonsense mediated decay in a gene for which loss-of-function is a known mechanism of disease; Not observed in large population cohorts (Lek et al., 2016); Has not been previously published as pathogenic or benign to our knowledge

NM_004859.4(CLTC):c.4568dup (p.Ser1524fs)

Genes: CLTC (clathrin heavy chain; plus strand), LOC125177523 (Sharpr-MPRA regulatory region 12460; plus strand). Cytogenetic location: 17q23.1.
Variant type: Duplication.
Coding change: c.4568dup on transcript NM_004859.4 (MANE Select); coding-DNA position 4568, one base duplicated (A; older notation c.4568dupA).
Protein change: p.Ser1524fs; shifts the reading frame from serine 1524.
Molecular consequence: frameshift variant.
Genome position (GRCh38, 1-based): chr17:59,685,189, A duplicated. VCF-style (leftmost placement, unchanged base first): chr17-59685188-C-CA. GRCh37 (hg19) VCF-style: chr17-57762549-C-CA.
Other names: c.4580dupA (NM_001288653.1); c.4580dup, p.Ser1528fs (NM_001288653.2); short protein forms S1528fs, S1524fs.
Identifiers: ClinVar variation 524157 (VCV000524157.3), dbSNP rs1555607616, ClinGen allele CA658798909.